The following is an entry in ClinVar:

NM_006015.6(ARID1A):c.759C>G (p.Pro253=)

Genes: ARID1A (AT-rich interaction domain 1A; plus strand), LOC129929837 (ATAC-STARR-seq lymphoblastoid silent region 489; plus strand). Cytogenetic location: 1p36.11.
Variant type: single nucleotide variant.
Coding change: c.759C>G on transcript NM_006015.6 (MANE Select); coding-DNA position 759, C replaced by G.
Protein change: p.Pro253=; no amino-acid change (proline 253 retained).
Molecular consequence: synonymous variant.
Genome position (GRCh38, 1-based): chr1:26,697,162, C>G. VCF-style: chr1-26697162-C-G. GRCh37 (hg19) VCF-style: chr1-27023653-C-G.
Other names: c.759C>G, p.Pro253= (NM_139135.4).
Identifiers: ClinVar variation 1175604 (VCV001175604.14), dbSNP rs747694475, ClinGen allele CA706676.
Genomic context (GRCh38, chr1:26,697,162, plus strand): 5'-CCCGAGAGGTGGCACTCCGGGCTCCGGCGCGGCGGCGGCTGCCGGCTCCAAGCCGCCTCC[C>G]TCCTCCAGCGCCTCCGCCTCCTCGTCGTCTTCGTCCTTCGCTCAGCAGCGCTTCGGGGCC-3'
Protein context (NP_006006.3, residues 243-263): AAAAAGSKPP[Pro253=]SSSASASSSS

ClinVar aggregate classification (germline): Benign/Likely benign. Review status: criteria provided, multiple submitters, no conflicts (2 of 4 stars). 5 submissions from 5 submitters: Benign (2); Likely benign (3). Last evaluated 2026-06-01.

Conditions:
Intellectual disability, autosomal dominant 14 (CSS2). Also called: COFFIN-SIRIS SYNDROME 2. Identifiers: Orphanet 1465, MedGen C3553247, MONDO:0013819, OMIM 614607.

Allele frequency attached by ClinVar (database versions not stated): gnomAD 0.00017; gnomAD exomes 0.00031; ExAC 0.00096.
gnomAD v4.1: 330 of 1,440,810 alleles (0.023%); highest among the groups gnomAD compares: South Asian, 0.13%; 1 homozygote.

Submissions (5):

CeGaT Center for Human Genetics Tuebingen
Classification: Likely benign. Last evaluated: 2026-06-01. Review status: criteria provided, single submitter. Criteria: CeGaT Center For Human Genetics Tuebingen Variant Classification Criteria Version 2. Collection method: clinical testing. Allele origin: germline. Affected: yes. Observed: 3 variant alleles.
Comment: ARID1A: BP4, BP7

Labcorp Genetics (formerly Invitae), Labcorp
Classification: Likely benign. Last evaluated: 2026-01-04. Review status: criteria provided, single submitter. Criteria: Invitae Variant Classification Sherloc (09022015). Collection method: clinical testing. Allele origin: germline.

Blueprint Genetics
Classification: Likely benign. Last evaluated: 2024-09-02. Review status: criteria provided, single submitter. Criteria: ACMG Guidelines, 2015. Collection method: clinical testing. Allele origin: germline.

Genome-Nilou Lab
Classification: Benign for Intellectual disability, autosomal dominant 14. Last evaluated: 2021-12-05. Review status: criteria provided, single submitter. Criteria: ACMG Guidelines, 2015. Collection method: clinical testing. Allele origin: germline. Affected: no.

GeneDx
Classification: Benign. Last evaluated: 2020-09-09. Review status: criteria provided, single submitter. Criteria: GeneDx Variant Classification Process June 2021. Collection method: clinical testing. Allele origin: germline. Affected: yes.